The following is an entry in ClinVar:

NM_207312.3(TUBA3E):c.1246G>A (p.Gly416Arg)

Genes: MZT2B (mitotic spindle organizing protein 2B; plus strand), TUBA3E (tubulin alpha 3e; minus strand). Cytogenetic location: 2q21.1.
Variant type: single nucleotide variant.
Coding change: c.1246G>A on transcript NM_207312.3 (MANE Select); coding-DNA position 1246, G replaced by A.
Protein change: p.Gly416Arg; replaces glycine 416 with arginine.
Molecular consequence: missense variant.
Genome position (GRCh38, 1-based): chr2:130,191,938, C>T on the plus strand (G>A on the coding strand, the complement: TUBA3E is on the minus strand). VCF-style: chr2-130191938-C-T. GRCh37 (hg19) VCF-style: chr2-130949511-C-T.
Other names: short protein forms G416R.
Identifiers: ClinVar variation 2651365 (VCV002651365.24), dbSNP rs138838108, ClinGen allele CA1870736.

ClinVar aggregate classification (germline): Likely benign (1 of 4 stars; one submission).

Allele frequency attached by ClinVar (database versions not stated): gnomAD exomes 0.00196; 1000 Genomes Project 30x 0.00297; ExAC 0.00302; 1000 Genomes Project 0.00319; gnomAD 0.00369; TOPMed 0.00389; ESP Exome Variant Server 0.00423.
gnomAD v4.1: 3,557 of 1,614,070 alleles (0.22%); highest among the groups gnomAD compares: Middle Eastern, 3.2%; 23 homozygotes.

Submission:

CeGaT Center for Human Genetics Tuebingen
Classification: Likely benign. Last evaluated: 2023-05-01. Review status: criteria provided, single submitter. Criteria: CeGaT Center For Human Genetics Tuebingen Variant Classification Criteria Version 2. Collection method: clinical testing. Allele origin: germline. Affected: yes. Observed: 1 variant allele.
Comment: TUBA3E: BS2